The following is an entry in ClinVar:

NM_000921.5(PDE3A):c.1396A>T (p.Ile466Phe)

Gene: PDE3A (phosphodiesterase 3A; plus strand). Cytogenetic location: 12p12.2.
Variant type: single nucleotide variant.
Coding change: c.1396A>T on transcript NM_000921.5 (MANE Select); coding-DNA position 1396, A replaced by T.
Protein change: p.Ile466Phe; replaces isoleucine 466 with phenylalanine.
Molecular consequence: missense variant.
Genome position (GRCh38, 1-based): chr12:20,616,356, A>T. VCF-style: chr12-20616356-A-T. GRCh37 (hg19) VCF-style: chr12-20769290-A-T.
Other names: c.430A>T, p.Ile144Phe (NM_001244683.2, NM_001378409.1); c.1396A>T, p.Ile466Phe (NM_001378407.1); c.433A>T, p.Ile145Phe (NM_001378408.1); short protein forms I144F, I145F, I466F.
Identifiers: ClinVar variation 4731388 (VCV004731388.1).

ClinVar aggregate classification (germline): Uncertain significance (1 of 4 stars; one submission).

gnomAD v4.1: 1 of 1,613,384 alleles (0.000062%); highest among the groups gnomAD compares: Admixed American, 0.0017%; no homozygotes.

Submission:

Labcorp Genetics (formerly Invitae), Labcorp
Classification: Uncertain significance. Last evaluated: 2025-11-23. Review status: criteria provided, single submitter. Criteria: Invitae Variant Classification Sherloc (09022015). Collection method: clinical testing. Allele origin: germline.
Comment: This sequence change replaces isoleucine, which is neutral and non-polar, with phenylalanine, which is neutral and non-polar, at codon 466 of the PDE3A protein (p.Ile466Phe). This variant is not present in population databases (gnomAD no frequency). This variant has not been reported in the literature in individuals affected with PDE3A-related conditions. An algorithm developed to predict the effect of missense changes on protein structure and function (PolyPhen-2) suggests that this variant is likely to be tolerated. In summary, the available evidence is currently insufficient to determine the role of this variant in disease. Therefore, it has been classified as a Variant of Uncertain Significance.